The following is an entry in ClinVar:

ClinVar aggregate classification (germline): Uncertain significance (1 of 4 stars; one submission).

Allele frequency attached by ClinVar (database versions not stated): gnomAD exomes below 0.00001; ExAC 0.00001.
gnomAD v4.1: 3 of 1,612,032 alleles (0.00019%); highest among the groups gnomAD compares: Non-Finnish European, 0.00017%; no homozygotes.

Submission:

Labcorp Genetics (formerly Invitae), Labcorp
Classification: Uncertain significance. Last evaluated: 2023-12-05. Review status: criteria provided, single submitter. Criteria: Invitae Variant Classification Sherloc (09022015). Collection method: clinical testing. Allele origin: germline.
Comment: This sequence change replaces threonine, which is neutral and polar, with isoleucine, which is neutral and non-polar, at codon 22 of the LAMTOR2 protein (p.Thr22Ile). The frequency data for this variant in the population databases is considered unreliable, as metrics indicate poor data quality at this position in the gnomAD database. This variant has not been reported in the literature in individuals affected with LAMTOR2-related conditions. ClinVar contains an entry for this variant (Variation ID: 1515443). An algorithm developed to predict the effect of missense changes on protein structure and function (PolyPhen-2) suggests that this variant is likely to be disruptive. In summary, the available evidence is currently insufficient to determine the role of this variant in disease. Therefore, it has been classified as a Variant of Uncertain Significance.

NM_014017.4(LAMTOR2):c.65C>T (p.Thr22Ile)

Gene: LAMTOR2 (late endosomal/lysosomal adaptor, MAPK and MTOR activator 2; plus strand). Cytogenetic location: 1q22.
Variant type: single nucleotide variant.
Coding change: c.65C>T on transcript NM_014017.4 (MANE Select); coding-DNA position 65, C replaced by T.
Protein change: p.Thr22Ile; replaces threonine 22 with isoleucine.
Molecular consequence: missense variant.
Genome position (GRCh38, 1-based): chr1:156,054,954, C>T. VCF-style: chr1-156054954-C-T. GRCh37 (hg19) VCF-style: chr1-156024745-C-T.
Other names: c.65C>T, p.Thr22Ile (NM_001145264.2); short protein forms T22I.
Identifiers: ClinVar variation 1515443 (VCV001515443.8), dbSNP rs751699653, ClinGen allele CA1154290.